The following is an entry in ClinVar:

NM_017763.6(RNF43):c.1576G>C (p.Val526Leu)

Gene: RNF43 (ring finger protein 43; minus strand). Cytogenetic location: 17q22.
Variant type: single nucleotide variant.
Coding change: c.1576G>C on transcript NM_017763.6 (MANE Select); coding-DNA position 1576, G replaced by C.
Protein change: p.Val526Leu; replaces valine 526 with leucine.
Molecular consequence: missense variant.
Genome position (GRCh38, 1-based): chr17:58,358,200, C>G on the plus strand (G>C on the coding strand, the complement: RNF43 is on the minus strand). VCF-style: chr17-58358200-C-G. GRCh37 (hg19) VCF-style: chr17-56435561-C-G.
Other names: c.1576G>C (NM_017763.4); c.1576G>C, p.Val526Leu (NM_001305544.3); c.1195G>C, p.Val399Leu (NM_001305545.2); short protein forms V526L, V399L.
Identifiers: ClinVar variation 2831522 (VCV002831522.4), dbSNP rs2143407547, ClinGen allele CA400329314.

ClinVar aggregate classification (germline): Uncertain significance. Review status: criteria provided, multiple submitters, no conflicts (2 of 4 stars). 2 submissions from 2 submitters: Uncertain significance (2). Last evaluated 2026-07-27.

Submissions (2):

Ambry Genetics
Classification: Uncertain significance. Last evaluated: 2026-07-27. Review status: criteria provided, single submitter. Criteria: Ambry Variant Classification Scheme 2023. Collection method: clinical testing. Allele origin: germline.
Comment: The p.V526L variant (also known as c.1576G>C), located in coding exon 8 of the RNF43 gene, results from a G to C substitution at nucleotide position 1576. The valine at codon 526 is replaced by leucine, an amino acid with highly similar properties. This amino acid position is conserved. In addition, this alteration is predicted to be tolerated by in silico analysis. Based on the available evidence, the clinical significance of this variant remains unclear.

Labcorp Genetics (formerly Invitae), Labcorp
Classification: Uncertain significance. Last evaluated: 2023-10-10. Review status: criteria provided, single submitter. Criteria: Invitae Variant Classification Sherloc (09022015). Collection method: clinical testing. Allele origin: germline.
Comment: This sequence change replaces valine, which is neutral and non-polar, with leucine, which is neutral and non-polar, at codon 526 of the RNF43 protein (p.Val526Leu). This variant is not present in population databases (gnomAD no frequency). This variant has not been reported in the literature in individuals affected with RNF43-related conditions. An algorithm developed to predict the effect of missense changes on protein structure and function (PolyPhen-2) suggests that this variant is likely to be tolerated. In summary, the available evidence is currently insufficient to determine the role of this variant in disease. Therefore, it has been classified as a Variant of Uncertain Significance.